The following is an entry in ClinVar:

ClinVar aggregate classification (germline): Uncertain significance (1 of 4 stars; one submission).

gnomAD v4.1: 1 of 1,613,824 alleles (0.000062%); no homozygotes.

Submission:

Labcorp Genetics (formerly Invitae), Labcorp
Classification: Uncertain significance. Last evaluated: 2022-01-28. Review status: criteria provided, single submitter. Criteria: Invitae Variant Classification Sherloc (09022015). Collection method: clinical testing. Allele origin: germline.
Comment: In summary, the available evidence is currently insufficient to determine the role of this variant in disease. Therefore, it has been classified as a Variant of Uncertain Significance. Algorithms developed to predict the effect of missense changes on protein structure and function output the following: SIFT: "Tolerated"; PolyPhen-2: "Benign"; Align-GVGD: "Class C0". The serine amino acid residue is found in multiple mammalian species, which suggests that this missense change does not adversely affect protein function. This variant has not been reported in the literature in individuals affected with CTR9-related conditions. This variant is not present in population databases (gnomAD no frequency). This sequence change replaces proline, which is neutral and non-polar, with serine, which is neutral and polar, at codon 981 of the CTR9 protein (p.Pro981Ser).

NM_014633.5(CTR9):c.2941C>T (p.Pro981Ser)

Gene: CTR9 (CTR9 component of Paf1/RNA polymerase II complex; plus strand). Cytogenetic location: 11p15.4.
Variant type: single nucleotide variant.
Coding change: c.2941C>T on transcript NM_014633.5 (MANE Select); coding-DNA position 2941, C replaced by T.
Protein change: p.Pro981Ser; replaces proline 981 with serine.
Molecular consequence: missense variant.
Genome position (GRCh38, 1-based): chr11:10,775,262, C>T. VCF-style: chr11-10775262-C-T. GRCh37 (hg19) VCF-style: chr11-10796809-C-T.
Other names: c.2869C>T, p.Pro957Ser (NM_001346279.2); short protein forms P981S, P957S.
Identifiers: ClinVar variation 1517103 (VCV001517103.6), dbSNP rs964105038, ClinGen allele CA217713294.